The following is an entry in ClinVar:

ClinVar aggregate classification (germline): Uncertain significance (1 of 4 stars; one submission).

Conditions:
Ataxia-telangiectasia syndrome (AT). Also called: Ataxia-telangiectasia, complementation group D; AT, COMPLEMENTATION GROUP C; Ataxia telangiectasia (A-T); Cerebello-oculocutaneous telangiectasia; Immunodeficiency with ataxia telangiectasia; ATAXIA-TELANGIECTASIA, COMPLEMENTATION GROUP A. Identifiers: Orphanet 100, MedGen C0004135, MONDO:0008840, OMIM 208900.

Submission:

Labcorp Genetics (formerly Invitae), Labcorp
Classification: Uncertain significance for Ataxia-telangiectasia syndrome. Last evaluated: 2018-11-08. Review status: criteria provided, single submitter. Criteria: Invitae Variant Classification Sherloc (09022015). Collection method: clinical testing. Allele origin: germline.
Comment: This variant results in a copy number gain of the genomic region encompassing exons 17-63 of the ATM gene. The 5' boundary is likely confined to intron 16. The 3' end of this event is unknown as it extends beyond the assayed region for this gene and therefore may encompass additional genes. As the precise location of this event is unknown, it may be in tandem or it may be located elsewhere in the genome. This variant has not been reported in the literature in individuals with ATM-related disease. In summary, the available evidence is currently insufficient to determine the role of this variant in disease. Therefore, it has been classified as a Variant of Uncertain Significance.

NC_000011.9:g.(?_108137888)_(108236245_?)dup

Genes: ATM (ATM serine/threonine kinase; plus strand), C11orf65 (chromosome 11 open reading frame 65; minus strand), LOC128772356 (melanoma risk locus-associated MPRA allelic enhancer 11:108140516; plus strand), LOC129390354 (MPRA-validated peak1451 silencer; plus strand). Cytogenetic location: 11q22.3.
Variant type: Duplication.
Identifiers: ClinVar variation 660702 (VCV000660702.1).